The following is an entry in ClinVar:

ClinVar aggregate classification (germline): Pathogenic. Review status: criteria provided, multiple submitters, no conflicts (2 of 4 stars). 5 submissions from 5 submitters: Pathogenic (4). 1 of the submissions does not count toward it. Last evaluated 2026-02-10.

Conditions:
beta Thalassemia (BTHAL). Also called: Cooley's anemia; Erythroblastic anemia; Mediterranean anemia. Identifiers: Orphanet 848, MedGen C0005283, MONDO:0019402. Disease mechanism: loss of function.
Beta-thalassemia HBB/LCRB. Identifiers: MedGen CN322236, MONDO:0013517, OMIM 613985.

Submissions (5):

Institute of Human Genetics, University of Leipzig Medical Center
Classification: Pathogenic for Beta-thalassemia HBB/LCRB. Last evaluated: 2026-02-10. Review status: criteria provided, single submitter. Criteria: ACMG Guidelines, 2015. Collection method: clinical testing. Allele origin: paternal. Inheritance: Autosomal dominant inheritance. Affected: yes.
Comment: Criteria applied: PVS1,PS4_MOD,PM2

ARUP Laboratories, Molecular Genetics and Genomics, ARUP Laboratories
Classification: Pathogenic. Last evaluated: 2024-03-26. Review status: criteria provided, single submitter. Criteria: ARUP Molecular Germline Variant Investigation Process 2024. Collection method: clinical testing. Allele origin: germline.
Comment: The HBB c.30dup; p.Ala11CysfsTer13 variant (also known as Codons 9/10 (+T) or Ala10fs when numbered from the mature protein, rs34548294, HbVar ID: 787) is reported in the literature in the homozygous or compound heterozygous state in individuals affected with beta (0) thalassemia (Gunes 2021, Ulasli 2015, Unal 2015, see link to HbVar and references therein). This variant is also reported in ClinVar (Variation ID: 869352), but is absent from the Genome Aggregation Database (v2.1.1), indicating it is not a common polymorphism. This variant causes a frameshift by inserting a single nucleotide, so it is predicted to result in a truncated protein or mRNA subject to nonsense-mediated decay. Based on available information, this variant is considered to be pathogenic. References: Link to HbVar database: Gunes AK et al. The Spectrum of Beta-Thalassemia Mutations in Syrian Refugees and Turkish Citizens. Cureus. 2021 Jun 4;13(6):e15434. PMID: 34258108. Ulasli M et al. Novel ?eta-Thalassemia Mutation in Turkish Children. Indian J Hematol Blood Transfus. 2015 Jun;31(2):218-22. PMID: 25825561. Unal S et al. The first report of a homozygous codons 9/10 (+T) Beta-thalassemia mutation in a Turkish patient. Hemoglobin. 2015;39(1):66-8. PMID: 25572182.

Women's Health and Genetics/Laboratory Corporation of America, LabCorp
Classification: Pathogenic for beta Thalassemia. Last evaluated: 2022-08-08. Review status: criteria provided, single submitter. Criteria: LabCorp Variant Classification Summary - May 2015. Collection method: clinical testing. Allele origin: germline.
Comment: Variant summary: HBB c.30dupT (p.Ala11CysfsX13) results in a premature termination codon, predicted to cause a truncation of the encoded protein or absence of the protein due to nonsense mediated decay, which are commonly known mechanisms for disease. Truncations downstream of this position have been classified as pathogenic by our laboratory. The variant was absent in 251216 control chromosomes (gnomAD). c.30dupT has been reported in the literature in multiple homozygous and compound heterozygous individuals affected with Beta Thalassemia (e.g. Filon_1995, Ulasli_2015, Unal_2015, Gunes_2021). These data indicate that the variant is very likely to be associated with disease. Two ClinVar submitters (evaluation after 2014) cite the variant as pathogenic. Based on the evidence outlined above, the variant was classified as pathogenic.

Clinical Genetics and Genomics, Karolinska University Hospital
Classification: Pathogenic. Last evaluated: 2017-10-18. Review status: criteria provided, single submitter. Criteria: ACMG Guidelines, 2015. Collection method: clinical testing. Allele origin: germline. Affected: yes. Observed: 1 variant allele.

The ITHANET community portal, The Cyprus Institute of Neurology and Genetics
Classification: Pathogenic for beta Thalassemia. Last evaluated: 2019-11-25. Review status: no assertion criteria provided. Collection method: curation. Allele origin: germline. Not counted in ClinVar's aggregate classification.

Literature cited by the submitters: PubMed 25825561 (cited by Women's Health and Genetics/Laboratory Corporation of America, LabCorp); PubMed 34258108 (cited by Women's Health and Genetics/Laboratory Corporation of America, LabCorp); PubMed 25572182 (cited by Women's Health and Genetics/Laboratory Corporation of America, LabCorp); PubMed 7899267 (cited by The ITHANET community portal, The Cyprus Institute of Neurology and Genetics).

NM_000518.5(HBB):c.30dup (p.Ala11fs)

Genes: HBB (hemoglobin subunit beta; minus strand), LOC106099062 (HBB recombination region; plus strand), LOC107133510 (origin of replication at HBB; plus strand). Cytogenetic location: 11p15.4.
Variant type: Duplication.
Coding change: c.30dup on transcript NM_000518.5 (MANE Select); coding-DNA position 30, one base duplicated (T; older notation c.30dupT).
Protein change: p.Ala11fs; shifts the reading frame from alanine 11.
Molecular consequence: frameshift variant.
Genome position (GRCh38, 1-based): chr11:5,226,992, A duplicated on the plus strand (T on the coding strand, the reverse complement: HBB is on the minus strand). VCF-style (leftmost placement, unchanged base first): chr11-5226991-C-CA. GRCh37 (hg19) VCF-style: chr11-5248221-C-CA.
Other names: CD 9/10 (+T); c.30dupT (NM_000518.4); short protein forms A11fs.
Identifiers: ClinVar variation 869352 (VCV000869352.7), dbSNP rs34548294, ClinGen allele CA217115449.